The following is an entry in ClinVar:

ClinVar aggregate classification (germline): Likely pathogenic. Review status: criteria provided, single submitter (1 of 4 stars). 3 submissions from 3 submitters: Likely pathogenic (1). 2 of the submissions do not count toward it. Last evaluated 2025-02-15.

Conditions:
CTSC-related disorder. Also called: CTSC-related condition; CTSC-related disorders. Identifiers: MedGen CN375926, MONDO:0800465.
Papillon-Lefèvre syndrome (PALS). Also called: Papillon-Lefevre Disease; KERATOSIS PALMOPLANTARIS WITH PERIODONTOPATHIA. Identifiers: Orphanet 678, MedGen C0030360, MONDO:0009490, OMIM 245000.
Periodontitis, aggressive. Identifiers: MedGen C0031106, MONDO:0980757.
Haim-Munk syndrome (HMS). Also called: COCHIN JEWISH DISORDER; KERATOSIS PALMOPLANTARIS WITH PERIODONTOPATHIA AND ONYCHOGRYPOSIS. Identifiers: Orphanet 2342, MedGen C1855627, MONDO:0009491, OMIM 245010.

Allele frequency attached by ClinVar (database versions not stated): gnomAD 0.00001; ExAC 0.00004; TOPMed 0.00004.
gnomAD v4.1: 3 of 1,576,786 alleles (0.00019%); highest among the groups gnomAD compares: Admixed American, 0.0036%; no homozygotes.

Submissions (3):

Labcorp Genetics (formerly Invitae), Labcorp
Classification: Likely pathogenic for Haim-Munk syndrome; Periodontitis, aggressive; Papillon-Lefèvre syndrome. Last evaluated: 2025-02-15. Review status: criteria provided, single submitter. Criteria: Invitae Variant Classification Sherloc (09022015). Collection method: clinical testing. Allele origin: germline.
Comment: This sequence change replaces tryptophan, which is neutral and slightly polar, with serine, which is neutral and polar, at codon 39 of the CTSC protein (p.Trp39Ser). This variant is present in population databases (rs104894210, gnomAD 0.01%). This missense change has been observed in individual(s) with Papillon-Lefevre syndrome (PMID: 11180012). It has also been observed to segregate with disease in related individuals. ClinVar contains an entry for this variant (Variation ID: 7296). An algorithm developed to predict the effect of missense changes on protein structure and function (PolyPhen-2) suggests that this variant is likely to be disruptive. This variant disrupts the p.Trp39 amino acid residue in CTSC. Other variant(s) that disrupt this residue have been observed in individuals with CTSC-related conditions (PMID: 27062382), which suggests that this may be a clinically significant amino acid residue. In summary, the currently available evidence indicates that the variant is pathogenic, but additional data are needed to prove that conclusively. Therefore, this variant has been classified as Likely Pathogenic.

PreventionGenetics, part of Exact Sciences
Classification: Uncertain significance for CTSC-related condition. Last evaluated: 2024-09-17. Review status: no assertion criteria provided. Collection method: clinical testing. Allele origin: germline. Not counted in ClinVar's aggregate classification.
Comment: The CTSC c.116G>C variant is predicted to result in the amino acid substitution p.Trp39Ser. This variant has been reported in the homozygous state in four individuals with Papillon-Lefevre syndrome from the same family (Family 1, Nakano et al. 2001. PubMed ID: 11180012). This variant is reported in 0.011% of alleles in individuals of Ashkenazi Jewish descent in gnomAD. Of note, another variant impacting the same amino acid [c.117G>T (Trp39Cys)] has also been reported in the homozygous state in an individual with Papillon-Lefevre syndrome (Tekin et al. 2016. PubMed ID: 27062382). Although we suspect that this variant may be pathogenic, at this time, the clinical significance of this variant is uncertain due to the absence of conclusive functional and genetic evidence.

OMIM
Classification: Pathogenic for PAPILLON-LEFEVRE SYNDROME. Last evaluated: 2001-02-01. Review status: no assertion criteria provided. Collection method: literature only. Allele origin: germline. Not counted in ClinVar's aggregate classification.

Literature cited by the submitters: PubMed 11180012 (cited by Labcorp Genetics (formerly Invitae), Labcorp and OMIM); PubMed 27062382 (cited by Labcorp Genetics (formerly Invitae), Labcorp).

NM_001814.6(CTSC):c.116G>C (p.Trp39Ser)

Genes: CTSC (cathepsin C; minus strand), LOC130006572 (ATAC-STARR-seq lymphoblastoid active region 5382; plus strand). Cytogenetic location: 11q14.2.
Variant type: single nucleotide variant.
Coding change: c.116G>C on transcript NM_001814.6 (MANE Select); coding-DNA position 116, G replaced by C.
Protein change: p.Trp39Ser; replaces tryptophan 39 with serine.
Molecular consequence: missense variant.
Genome position (GRCh38, 1-based): chr11:88,337,557, C>G on the plus strand (G>C on the coding strand, the complement: CTSC is on the minus strand). VCF-style: chr11-88337557-C-G. GRCh37 (hg19) VCF-style: chr11-88070725-C-G.
Other names: c.116G>C, p.Trp39Ser (NM_001114173.3, NM_148170.5, LRG_50t1); c.116G>C (NM_001814.5); short protein forms W39S.
Identifiers: ClinVar variation 7296 (VCV000007296.6), dbSNP rs104894210, ClinGen allele CA118686.